The following is an entry in ClinVar:

ClinVar aggregate classification (germline): Uncertain significance (1 of 4 stars; one submission).

Conditions:
Hereditary nonpolyposis colorectal neoplasms. Identifiers: MedGen C0009405, MeSH D003123.

Submission:

Labcorp Genetics (formerly Invitae), Labcorp
Classification: Uncertain significance for Hereditary nonpolyposis colorectal neoplasms. Last evaluated: 2025-04-14. Review status: criteria provided, single submitter. Criteria: Invitae Variant Classification Sherloc (09022015). Collection method: clinical testing. Allele origin: germline.
Comment: This sequence change replaces arginine, which is basic and polar, with proline, which is neutral and non-polar, at codon 1331 of the MSH6 protein (p.Arg1331Pro). This variant is not present in population databases (gnomAD no frequency). This missense change has been observed in individual(s) with colorectal cancer (PMID: 22851212). ClinVar contains an entry for this variant (Variation ID: 2203073). Invitae Evidence Modeling of protein sequence and biophysical properties (such as structural, functional, and spatial information, amino acid conservation, physicochemical variation, residue mobility, and thermodynamic stability) indicates that this missense variant is not expected to disrupt MSH6 protein function with a negative predictive value of 95%. In summary, the available evidence is currently insufficient to determine the role of this variant in disease. Therefore, it has been classified as a Variant of Uncertain Significance.

Literature cited by the submitters: PubMed 22851212.

NM_000179.3(MSH6):c.3992G>C (p.Arg1331Pro)

Gene: MSH6 (mutS homolog 6; plus strand). Cytogenetic location: 2p16.3.
Variant type: single nucleotide variant.
Coding change: c.3992G>C on transcript NM_000179.3 (MANE Select); coding-DNA position 3992, G replaced by C.
Protein change: p.Arg1331Pro; replaces arginine 1331 with proline.
Molecular consequence: missense variant.
Genome position (GRCh38, 1-based): chr2:47,806,642, G>C. VCF-style: chr2-47806642-G-C. GRCh37 (hg19) VCF-style: chr2-48033781-G-C.
Other names: c.3602G>C, p.Arg1201Pro (NM_001281492.2); c.3086G>C, p.Arg1029Pro (NM_001281493.2, NM_001281494.2, NM_001406811.1 and 6 more transcripts); c.4088G>C, p.Arg1363Pro (NM_001406795.1); c.3992G>C, p.Arg1331Pro (NM_001406796.1, NM_001406808.1, NM_001406809.1); c.3695G>C, p.Arg1232Pro (NM_001406797.1, NM_001406801.1, NM_001406805.1 and 10 more transcripts); c.3818G>C, p.Arg1273Pro (NM_001406798.1); c.3467G>C, p.Arg1156Pro (NM_001406799.1, NM_001406806.1, NM_001406807.1); c.*13G>C (NM_001406800.1); and 8 more; short protein forms R1156P, R1201P, R1232P, R1363P, R280P, R1305P, R1333P, R1331P.
Identifiers: ClinVar variation 2203073 (VCV002203073.2), dbSNP rs184131049, ClinGen allele CA346761594.